The following is an entry in ClinVar:

Single allele

Variant type: Deletion.
Identifiers: ClinVar variation 157288 (VCV000157288.2).

ClinVar aggregate classification (germline): not provided. Review status: no classification provided (0 of 4 stars). 2 submissions from 1 submitter: not provided (2).

Conditions:
Normal pregnancy. Identifiers: MedGen C0232989.
Gestational diabetes mellitus uncontrolled. Identifiers: MedGen C3532257.

Submissions (2):

Institute of Molecular and Cell Biology, University of Tartu
No classification provided. Condition: Gestational diabetes mellitus uncontrolled. Review status: no classification provided. Collection method: case-control. Allele origin: unknown. Affected: yes. Study: Kasak2014.
Comment: The study aimed to determine the contribution of copy number variants in the genetic etiology of normal and complicated pregnancies. The samples represented (i) maternal blood DNA drawn from healthy pregnant women during 1st or 2nd trimester and (ii) maternal and paternal blood DNA drawn at term pregnancy cases representing normal and complicated gestations (severe preeclampsia, PE; gestational diabetes, GD; small-for-gestational age newborn, SGA; large-for-gestational age newborn, LGA). We performed CNV calling based on genome-wide genotyping dataset (Illumina HumanOmniExpress-24-v1 BeadChip) by applying three algorithms, QuantiSNP, GADA (Genome Alteration Detection Algorithm) and CNstream in parallel. The acquired CNV calls were merged with HD-CNV (Hotspot Detector for Copy Number Variants) program and only the CNVs predicted by at least two programs, were considered in subsequent analysis.

Institute of Molecular and Cell Biology, University of Tartu
No classification provided. Condition: Normal pregnancy. Review status: no classification provided. Collection method: case-control. Allele origin: unknown. Affected: yes. Study: Kasak2014.
Comment: the same text as in the submission from Institute of Molecular and Cell Biology, University of Tartu above.

Literature cited by the submitters: PubMed 25666259.